The following is an entry in ClinVar:

ClinVar aggregate classification (germline): Pathogenic (1 of 4 stars; one submission).

Conditions:
Autosomal recessive distal spinal muscular atrophy 1. Also called: HMN VI; NEURONOPATHY, SEVERE INFANTILE AXONAL, WITH RESPIRATORY FAILURE; NEURONOPATHY, DISTAL HEREDITARY MOTOR, HARDING TYPE VI; NEUROPATHY, DISTAL HEREDITARY MOTOR, AUTOSOMAL RECESSIVE 1; SEVERE INFANTILE AXONAL NEUROPATHY WITH RESPIRATORY FAILURE; SPINAL MUSCULAR ATROPHY, DIAPHRAGMATIC. Identifiers: Orphanet 98920, MedGen C1858517, MONDO:0011436, OMIM 604320.
Charcot-Marie-Tooth disease axonal type 2S. Also called: CHARCOT-MARIE-TOOTH DISEASE, AXONAL, AUTOSOMAL RECESSIVE, TYPE 2S; CHARCOT-MARIE-TOOTH NEUROPATHY, TYPE 2S. Identifiers: Orphanet 443073, MedGen C4015349, MONDO:0014511, OMIM 616155.

Submission:

Labcorp Genetics (formerly Invitae), Labcorp
Classification: Pathogenic for Autosomal recessive distal spinal muscular atrophy 1; Charcot-Marie-Tooth disease axonal type 2S. Last evaluated: 2024-05-29. Review status: criteria provided, single submitter. Criteria: Invitae Variant Classification Sherloc (09022015). Collection method: clinical testing. Allele origin: germline.
Comment: This sequence change replaces lysine, which is basic and polar, with asparagine, which is neutral and polar, at codon 220 of the IGHMBP2 protein (p.Lys220Asn). This variant is not present in population databases (gnomAD no frequency). This missense change has been observed in individual(s) with IGHMBP2-related conditions (PMID: 25326637, 30755392; Invitae). In at least one individual the data is consistent with being in trans (on the opposite chromosome) from a pathogenic variant. It has also been observed to segregate with disease in related individuals. ClinVar contains an entry for this variant (Variation ID: 242498). Advanced modeling of protein sequence and biophysical properties (such as structural, functional, and spatial information, amino acid conservation, physicochemical variation, residue mobility, and thermodynamic stability) has been performed at Invitae for this missense variant, however the output from this modeling did not meet the statistical confidence thresholds required to predict the impact of this variant on IGHMBP2 protein function. For these reasons, this variant has been classified as Pathogenic.

Literature cited by the submitters: PubMed 25326637; PubMed 30755392.

NM_002180.3(IGHMBP2):c.660A>C (p.Lys220Asn)

Gene: IGHMBP2 (immunoglobulin mu DNA binding protein 2; plus strand). Cytogenetic location: 11q13.3.
Variant type: single nucleotide variant.
Coding change: c.660A>C on transcript NM_002180.3 (MANE Select); coding-DNA position 660, A replaced by C.
Protein change: p.Lys220Asn; replaces lysine 220 with asparagine.
Molecular consequence: missense variant.
Genome position (GRCh38, 1-based): chr11:68,911,552, A>C. VCF-style: chr11-68911552-A-C. GRCh37 (hg19) VCF-style: chr11-68679020-A-C.
Other names: short protein forms K220N.
Identifiers: ClinVar variation 242498 (VCV000242498.6), dbSNP rs863224881, ClinGen allele CA351265.